The following is an entry in ClinVar:

ClinVar aggregate classification (germline): Conflicting classifications of pathogenicity. Review status: criteria provided, conflicting classifications (1 of 4 stars). 9 submissions from 9 submitters: Uncertain significance (4); Likely benign (5). Last evaluated 2026-09-23.

Conditions:
Hereditary cancer-predisposing syndrome. Also called: Hereditary Cancer Syndrome; Hereditary neoplastic syndrome; Neoplastic Syndromes, Hereditary; Tumor predisposition. Identifiers: Orphanet 140162, MedGen C0027672, MeSH D009386, MONDO:0015356.
Rhabdoid tumor predisposition syndrome 2 (RTPS2). Identifiers: Orphanet 231108, Orphanet 69077, MedGen C2750074, MONDO:0013224, OMIM 613325.
Intellectual disability, autosomal dominant 16 (CSS4). Also called: COFFIN-SIRIS SYNDROME 4. Identifiers: Orphanet 1465, MedGen C3553249, MONDO:0013821, OMIM 614609.
SMARCA4-related disorder. Also called: SMARCA4-related condition.

Allele frequency attached by ClinVar (database versions not stated): gnomAD exomes 0.00011 and 0.00005; gnomAD 0.00001 and 0.00002; ExAC 0.00017; TOPMed 0.00002.
gnomAD v4.1: 75 of 1,598,486 alleles (0.0047%); highest among the groups gnomAD compares: South Asian, 0.04%; 1 homozygote.

Submissions (9):

PreventionGenetics, part of Exact Sciences
Classification: Likely benign for SMARCA4-related condition. Last evaluated: 2026-09-23. Review status: criteria provided, single submitter. Criteria: ACMG Guidelines, 2015. Collection method: clinical testing. Allele origin: germline.
Comment: This variant is classified as likely benign based on ACMG/AMP sequence variant interpretation guidelines (Richards et al. 2015 PMID: 25741868, with internal and published modifications).

Myriad Genetics, Inc.
Classification: Likely benign for Rhabdoid tumor predisposition syndrome 2. Last evaluated: 2026-07-06. Review status: criteria provided, single submitter. Criteria: Myriad Autosomal Dominant, Autosomal Recessive and X-Linked Classification Criteria (2023). Collection method: clinical testing. Allele origin: unknown.
Comment: This variant is considered likely benign. This variant has been observed at a population frequency that is significantly greater than expected given the associated disease prevalence and penetrance.

Labcorp Genetics (formerly Invitae), Labcorp
Classification: Likely benign for Rhabdoid tumor predisposition syndrome 2. Last evaluated: 2026-01-11. Review status: criteria provided, single submitter. Criteria: Invitae Variant Classification Sherloc (09022015). Collection method: clinical testing. Allele origin: germline.

Quest Diagnostics Nichols Institute San Juan Capistrano
Classification: Likely benign. Last evaluated: 2025-06-02. Review status: criteria provided, single submitter. Criteria: Quest Diagnostics criteria. Collection method: clinical testing. Allele origin: unknown.

GeneDx
Classification: Uncertain significance. Last evaluated: 2023-11-06. Review status: criteria provided, single submitter. Criteria: GeneDx Variant Classification Process June 2021. Collection method: clinical testing. Allele origin: germline. Affected: yes.
Comment: In silico analysis supports that this missense variant does not alter protein structure/function; Has not been previously published as pathogenic or benign to our knowledge

Ambry Genetics
Classification: Likely benign for Hereditary cancer-predisposing syndrome. Last evaluated: 2022-07-21. Review status: criteria provided, single submitter. Criteria: Ambry Variant Classification Scheme 2023. Collection method: clinical testing. Allele origin: germline.

Sema4
Classification: Uncertain significance for Hereditary cancer-predisposing syndrome. Last evaluated: 2022-01-01. Review status: criteria provided, single submitter. Criteria: Sema4 Curation Guidelines. Collection method: curation. Allele origin: germline.
Comment: The SMARCA4 c.952G>A (p.V318I) variant has not been reported in the literature to our knowledge. This variant has been reported in 14/28584 chromosomes in the South Asian subpopulation, including one homozygote, in the large and broad cohorts of the Genome Aggregation Database (PMID: 32461654). This variant has been reported in ClinVar (Variation ID: 408669). Functional studies have not been performed, and in silico predictions of the variant's effect on protein function are inconclusive. The evidence is insufficient to meet ACMG/AMP criteria for classifying the variant as benign or pathogenic. Thus, the clinical significance of this variant is currently uncertain.

Genome-Nilou Lab
Classification: Uncertain significance for Intellectual disability, autosomal dominant 16. Last evaluated: 2021-07-15. Review status: criteria provided, single submitter. Criteria: ACMG Guidelines, 2015. Collection method: clinical testing. Allele origin: germline. Affected: no.

Fulgent Genetics
Classification: Uncertain significance for Rhabdoid tumor predisposition syndrome 2; Intellectual disability, autosomal dominant 16. Last evaluated: 2018-10-31. Review status: criteria provided, single submitter. Criteria: ACMG Guidelines, 2015. Collection method: clinical testing. Allele origin: unknown.

NM_003072.5(SMARCA4):c.952G>A (p.Val318Ile)

Gene: SMARCA4 (SWI/SNF related BAF chromatin remodeling complex subunit ATPase 4; plus strand). Cytogenetic location: 19p13.2.
Variant type: single nucleotide variant.
Coding change: c.952G>A on transcript NM_003072.5 (MANE Select); coding-DNA position 952, G replaced by A.
Protein change: p.Val318Ile; replaces valine 318 with isoleucine.
Molecular consequence: missense variant. On other transcripts: non-coding transcript variant (1).
Genome position (GRCh38, 1-based): chr19:10,987,758, G>A. VCF-style: chr19-10987758-G-A. GRCh37 (hg19) VCF-style: chr19-11098434-G-A.
Other names: c.952G>A, p.Val318Ile (NM_001128844.3, NM_001128845.2, NM_001128846.2 and 5 more transcripts); short protein forms V318I.
Identifiers: ClinVar variation 408669 (VCV000408669.25), dbSNP rs758091260, ClinGen allele CA9203642.
Genomic context (GRCh38, chr19:10,987,758, plus strand): 5'-ACCCCTCAGAAGCTGATTCCCCCGCAGCCAACGGGCCGCCCTTCCCCCGCGCCCCCTGCC[G>A]TCCCACCCGCCGCCTCGCCCGTGATGCCACCGCAGACCCAGTCCCCCGGGCAGCCGGCCC-3'
Protein context (NP_003063.2, residues 308-328): TGRPSPAPPA[Val318Ile]PPAASPVMPP